The following is an entry in ClinVar:

ClinVar aggregate classification (germline): Likely benign. Review status: criteria provided, multiple submitters, no conflicts (2 of 4 stars). 3 submissions from 3 submitters: Likely benign (3). Last evaluated 2024-06-09.

Conditions:
Hereditary nonpolyposis colorectal neoplasms. Identifiers: MedGen C0009405, MeSH D003123.
Lynch syndrome. Identifiers: Orphanet 144, MedGen C4552100, MONDO:0005835. Disease mechanism: loss of function.
Hereditary cancer-predisposing syndrome. Also called: Hereditary neoplastic syndrome; Tumor predisposition; Hereditary Cancer Syndrome; Neoplastic Syndromes, Hereditary. Identifiers: Orphanet 140162, MedGen C0027672, MeSH D009386, MONDO:0015356.

Allele frequency attached by ClinVar (database versions not stated): TOPMed below 0.00001.

Submissions (3):

All of Us Research Program, National Institutes of Health
Classification: Likely benign for Lynch syndrome. Last evaluated: 2024-06-09. Review status: criteria provided, single submitter. Criteria: ACMG Guidelines, 2015. Collection method: clinical testing. Allele origin: germline. Inheritance: Autosomal dominant inheritance. Observed: 1 variant allele, 1 heterozygote.
Comment: This study involves interpretation of variants in research participants for the purpose of population health screening. Participant phenotype was not available at the time of variant classification. Additional details can be found in publication PMID: 35346344, PMCID: PMC8962531

Labcorp Genetics (formerly Invitae), Labcorp
Classification: Likely benign for Hereditary nonpolyposis colorectal neoplasms. Last evaluated: 2023-06-29. Review status: criteria provided, single submitter. Criteria: Invitae Variant Classification Sherloc (09022015). Collection method: clinical testing. Allele origin: germline.

Color Diagnostics, LLC DBA Color Health
Classification: Likely benign for Hereditary cancer-predisposing syndrome. Last evaluated: 2016-12-21. Review status: criteria provided, single submitter. Criteria: ACMG Guidelines, 2015. Collection method: clinical testing. Allele origin: germline.

NM_000535.7(PMS2):c.904-14T>G

Gene: PMS2 (PMS1 homolog 2, mismatch repair system component; minus strand). Cytogenetic location: 7p22.1.
Variant type: single nucleotide variant.
Coding change: c.904-14T>G on transcript NM_000535.7 (MANE Select); 14 bases into the intron before coding-DNA position 904, T replaced by G.
Molecular consequence: intron variant.
Genome position (GRCh38, 1-based): chr7:5,992,071, A>C on the plus strand (T>G on the coding strand, the complement: PMS2 is on the minus strand). VCF-style: chr7-5992071-A-C. GRCh37 (hg19) VCF-style: chr7-6031702-A-C.
Other names: c.586-14T>G (NM_001322008.2, NM_001322007.2); c.499-14T>G (NM_001322010.2, NM_001322004.2, NM_001322003.2 and 2 more transcripts); c.331-14T>G (NM_001322013.2); c.-30-14T>G (NM_001322012.2, NM_001322011.2); c.595-14T>G (NM_001322015.2); c.904-14T>G (NM_001322006.2, NM_001322014.2).
Identifiers: ClinVar variation 492305 (VCV000492305.12), dbSNP rs1064795266, ClinGen allele CA658683473.